The following is an entry in ClinVar:

NM_001130438.3(SPTAN1):c.504+4C>T

Gene: SPTAN1 (spectrin alpha, non-erythrocytic 1; plus strand). Cytogenetic location: 9q34.11.
Variant type: single nucleotide variant.
Coding change: c.504+4C>T on transcript NM_001130438.3 (MANE Select); 4 bases into the intron after coding-DNA position 504, C replaced by T.
Molecular consequence: intron variant.
Genome position (GRCh38, 1-based): chr9:128,574,819, C>T. VCF-style: chr9-128574819-C-T. GRCh37 (hg19) VCF-style: chr9-131337098-C-T.
Other names: c.540+4C>T (NM_001375318.1, NM_001375312.2); c.504+4C>T (NM_001375311.2, NM_001375314.2, NM_001375310.1 and 5 more transcripts).
Identifiers: ClinVar variation 1450870 (VCV001450870.8), dbSNP rs755742062, ClinGen allele CA5264178.

ClinVar aggregate classification (germline): Uncertain significance (1 of 4 stars; one submission).

Conditions:
Early-infantile DEE. Also called: Early infantile epileptic encephalopathy; Ohtahara syndrome; Early infantile epileptic encephalopathy with suppression bursts. Identifiers: Orphanet 1934, MedGen C0393706, MONDO:0800491.

Allele frequency attached by ClinVar (database versions not stated): gnomAD exomes 0.00001 and 0.00002; TOPMed 0.00001; ExAC 0.00002.
gnomAD v4.1: 9 of 1,613,840 alleles (0.00056%); highest among the groups gnomAD compares: Admixed American, 0.0067%; no homozygotes.

Submission:

Labcorp Genetics (formerly Invitae), Labcorp
Classification: Uncertain significance for Early-infantile DEE. Last evaluated: 2024-06-19. Review status: criteria provided, single submitter. Criteria: Invitae Variant Classification Sherloc (09022015). Collection method: clinical testing. Allele origin: germline.
Comment: This sequence change falls in intron 4 of the SPTAN1 gene. It does not directly change the encoded amino acid sequence of the SPTAN1 protein. It affects a nucleotide within the consensus splice site. This variant is present in population databases (rs755742062, gnomAD 0.009%). This variant has not been reported in the literature in individuals affected with SPTAN1-related conditions. ClinVar contains an entry for this variant (Variation ID: 1450870). Variants that disrupt the consensus splice site are a relatively common cause of aberrant splicing (PMID: 17576681, 9536098). Algorithms developed to predict the effect of sequence changes on RNA splicing suggest that this variant is not likely to affect RNA splicing. In summary, the available evidence is currently insufficient to determine the role of this variant in disease. Therefore, it has been classified as a Variant of Uncertain Significance.

Literature cited by the submitters: PubMed 17576681; PubMed 9536098.